The following is an entry in ClinVar:

NM_004415.4(DSP):c.8118G>C (p.Lys2706Asn)

Gene: DSP (desmoplakin; plus strand). Cytogenetic location: 6p24.3.
Variant type: single nucleotide variant.
Coding change: c.8118G>C on transcript NM_004415.4 (MANE Select); coding-DNA position 8118, G replaced by C.
Protein change: p.Lys2706Asn; replaces lysine 2706 with asparagine.
Molecular consequence: missense variant.
Genome position (GRCh38, 1-based): chr6:7,585,380, G>C. VCF-style: chr6-7585380-G-C. GRCh37 (hg19) VCF-style: chr6-7585613-G-C.
Other names: c.6321G>C, p.Lys2107Asn (NM_001008844.3); c.6789G>C, p.Lys2263Asn (NM_001319034.2); short protein forms K2107N, K2263N, K2706N.
Identifiers: ClinVar variation 1171077 (VCV001171077.4), dbSNP rs751201132, ClinGen allele CA051558.
Genomic context (GRCh38, chr6:7,585,380, plus strand): 5'-CAGGCTGAAGCCTGCTCAGAAAGCCTTCATAGGCTTCGAGGGTGTGAAGGGAAAGAAGAA[G>C]ATGTCAGCAGCAGAGGCAGTGAAAGAAAAATGGCTCCCGTATGAGGCTGGCCAGCGCTTC-3'
Protein context (NP_004406.2, residues 2696-2716): IGFEGVKGKK[Lys2706Asn]MSAAEAVKEK

ClinVar aggregate classification (germline): Uncertain significance (1 of 4 stars; one submission).

Conditions:
Cardiomyopathy (CMYO). Also called: Cardiomyopathies. Identifiers: Orphanet 167848, MedGen C0878544, MONDO:0004994, HP:0001638. Inheritance: Various modes of inheritance.

Allele frequency attached by ClinVar (database versions not stated): gnomAD exomes 0.00001; ExAC 0.00002.
gnomAD v4.1: 12 of 1,614,150 alleles (0.00074%); highest among the groups gnomAD compares: South Asian, 0.012%; no homozygotes.

Submission:

Color Diagnostics, LLC DBA Color Health
Classification: Uncertain significance for Cardiomyopathy. Last evaluated: 2024-03-06. Review status: criteria provided, single submitter. Criteria: ACMG Guidelines, 2015. Collection method: clinical testing. Allele origin: germline.
Comment: This missense variant replaces lysine with asparagine at codon 2706 of the DSP protein. Computational prediction suggests that this variant may not impact protein structure and function (internally defined REVEL score threshold <= 0.5, PMID: 27666373). To our knowledge, functional studies have not been reported for this variant. This variant has not been reported in individuals affected with DSP-related disorders in the literature. This variant has been identified in 3/251442 chromosomes in the general population by the Genome Aggregation Database (gnomAD). The available evidence is insufficient to determine the role of this variant in disease conclusively. Therefore, this variant is classified as a Variant of Uncertain Significance.